The following is an entry in ClinVar:

ClinVar aggregate classification (germline): Uncertain significance (1 of 4 stars; one submission).

Submission:

Labcorp Genetics (formerly Invitae), Labcorp
Classification: Uncertain significance. Last evaluated: 2025-05-12. Review status: criteria provided, single submitter. Criteria: Invitae Variant Classification Sherloc (09022015). Collection method: clinical testing. Allele origin: germline.
Comment: This sequence change replaces serine, which is neutral and polar, with phenylalanine, which is neutral and non-polar, at codon 361 of the IMPDH1 protein (p.Ser361Phe). This variant is not present in population databases (gnomAD no frequency). This variant has not been reported in the literature in individuals affected with IMPDH1-related conditions. ClinVar contains an entry for this variant (Variation ID: 2116630). An algorithm developed to predict the effect of missense changes on protein structure and function (PolyPhen-2) suggests that this variant is likely to be disruptive. In summary, the available evidence is currently insufficient to determine the role of this variant in disease. Therefore, it has been classified as a Variant of Uncertain Significance.

NM_000883.4(IMPDH1):c.1082C>T (p.Ser361Phe)

Gene: IMPDH1 (inosine monophosphate dehydrogenase 1; minus strand). Cytogenetic location: 7q32.1.
Variant type: single nucleotide variant.
Coding change: c.1082C>T on transcript NM_000883.4 (MANE Select); coding-DNA position 1082, C replaced by T.
Protein change: p.Ser361Phe; replaces serine 361 with phenylalanine.
Molecular consequence: missense variant.
Genome position (GRCh38, 1-based): chr7:128,397,015, G>A on the plus strand (C>T on the coding strand, the complement: IMPDH1 is on the minus strand). VCF-style: chr7-128397015-G-A. GRCh37 (hg19) VCF-style: chr7-128037069-G-A.
Other names: c.1052C>T, p.Ser351Phe (NM_001102605.2); c.827C>T, p.Ser276Phe (NM_001142573.2); c.812C>T, p.Ser271Phe (NM_001142574.2); c.752C>T, p.Ser251Phe (NM_001142575.2); c.983C>T, p.Ser328Phe (NM_001142576.2); c.875C>T, p.Ser292Phe (NM_001304521.2); c.974C>T, p.Ser325Phe (NM_183243.3); short protein forms S271F, S328F, S361F, S276F, S325F, S351F, S251F, S292F.
Identifiers: ClinVar variation 2116630 (VCV002116630.4), dbSNP rs2535743338, ClinGen allele CA369166595.